The following is an entry in ClinVar:

NM_000252.3(MTM1):c.614C>T (p.Pro205Leu)

Gene: MTM1 (myotubularin 1; plus strand). Cytogenetic location: Xq28.
Variant type: single nucleotide variant.
Coding change: c.614C>T on transcript NM_000252.3 (MANE Select); coding-DNA position 614, C replaced by T.
Protein change: p.Pro205Leu; replaces proline 205 with leucine.
Molecular consequence: missense variant.
Genome position (GRCh38, 1-based): chrX:150,641,354, C>T. VCF-style: chrX-150641354-C-T. GRCh37 (hg19) VCF-style: chrX-149809827-C-T.
Other names: NM_000252.3(MTM1):c.614C>T; c.614C>T, p.Pro205Leu (NM_001376906.1, NM_001376908.1); c.503C>T, p.Pro168Leu (NM_001376907.1); short protein forms P205L, P168L.
Identifiers: ClinVar variation 158987 (VCV000158987.23), dbSNP rs587783841, ClinGen allele CA271909.
Genomic context (GRCh38, chrX:150,641,354, plus strand): 5'-TAACTTTTATTAATAAGTGCTATGAGCTCTGTGACACTTACCCTGCTCTTTTGGTGGTTC[C>T]GTATCGTGCCTCAGATGATGACCTCCGGAGAGTTGCAACTTTTAGGTCCCGAAATCGAAT-3'
Protein context (NP_000243.1, residues 195-215): CDTYPALLVV[Pro205Leu]YRASDDDLRR

ClinVar aggregate classification (germline): Pathogenic. Review status: reviewed by expert panel (3 of 4 stars). 6 submissions from 6 submitters: Pathogenic (1). 5 of the submissions do not count toward it. Last evaluated 2024-08-07.

Conditions:
Centronuclear myopathy (CNM). Also called: Myotubular myopathy; Centronuclear myopathy, congenital. Identifiers: Orphanet 595, MedGen C0175709, MONDO:0018947. Inheritance: All.
Severe X-linked myotubular myopathy (CNMX). Also called: MYOTUBULAR MYOPATHY 1; X-linked centronuclear myopathy; Myotubular myopathy, X-linked. Identifiers: Orphanet 596, MedGen C0410203, MONDO:0010683, OMIM 310400.

Submissions (6):

ClinGen Congenital Myopathies Variant Curation Expert Panel, ClinGen
Classification: Pathogenic for Centronuclear myopathy. Last evaluated: 2024-08-07. Review status: reviewed by expert panel. Criteria: ClinGen CongenMyopathy ACMG Specifications MTM1 V1.0.0. Collection method: curation. Allele origin: germline. Inheritance: X-linked inheritance.
Comment: The c.614C>T variant in MTM1 is a missense variant predicted to cause substitution of proline by leucine at amino acid 205. This variant is absent from gnomAD v4.1.0 (PM2_Supporting). The computational predictor REVEL gives a score of 0.968, which is above the Congenital Myopathies VCEP threshold of 0.7, evidence that correlates with impact to MTM1 function (PP3). This variant has been reported in at least ten individuals with centronuclear myopathy (PS4; PMIDs: 28685322, 11793470, 8640223, 15725586, 10063835). This variant has been identified as a de novo occurrence with unconfirmed parental relationships in one individual with X-linked centronuclear myopathy. (PM6; PMID: 10063835). A phosphatase assay using recombinant human myotubularin as a fusion protein in E. coli, showed that the mutation dramatically reduced phosphatase activity, indicating that this variant may impact protein function (PS3_Moderate; PMID: 10900271). In summary, this variant meets the criteria to be classified as pathogenic for X-linked centronuclear myopathy based on the ACMG/AMP criteria applied, as specified by the ClinGen Congenital Myopathies VCEP: PS4, PM6, PS3_Moderate, PP3, PM2_Supporting. (Congenital Myopathies VCEP specifications version 1; 8/7/2024)

GeneDx
Classification: Pathogenic. Last evaluated: 2023-12-21. Review status: criteria provided, single submitter. Criteria: GeneDx Variant Classification Process June 2021. Collection method: clinical testing. Allele origin: germline. Affected: yes. Not counted in ClinVar's aggregate classification.
Comment: Published functional studies suggest that P205L disrupts phosphatase activity (PMID: 10900271); In silico analysis supports that this missense variant has a deleterious effect on protein structure/function; Not observed at significant frequency in large population cohorts (gnomAD); This variant is associated with the following publications: (PMID: 15725586, 11793470, 8640223, 28685322, 30047259, 10063835, Kukov2023[Casereport], 34000440, 10900271)

Labcorp Genetics (formerly Invitae), Labcorp
Classification: Pathogenic for Severe X-linked myotubular myopathy. Last evaluated: 2022-12-08. Review status: criteria provided, single submitter. Criteria: Invitae Variant Classification Sherloc (09022015). Collection method: clinical testing. Allele origin: germline. Not counted in ClinVar's aggregate classification.
Comment: Experimental studies have shown that this missense change affects MTM1 function (PMID: 10900271). Advanced modeling of protein sequence and biophysical properties (such as structural, functional, and spatial information, amino acid conservation, physicochemical variation, residue mobility, and thermodynamic stability) performed at Invitae indicates that this missense variant is expected to disrupt MTM1 protein function. ClinVar contains an entry for this variant (Variation ID: 158987). This variant is also known as C668T (P223L). This missense change has been observed in individual(s) with myotubular myopathy (PMID: 8640223, 11793470, 28685322). In at least one individual the variant was observed to be de novo. This variant is not present in population databases (gnomAD no frequency). This sequence change replaces proline, which is neutral and non-polar, with leucine, which is neutral and non-polar, at codon 205 of the MTM1 protein (p.Pro205Leu). For these reasons, this variant has been classified as Pathogenic.

Revvity Omics, Revvity
Classification: Likely pathogenic. Last evaluated: 2020-03-01. Review status: criteria provided, single submitter. Criteria: ACMG Guidelines, 2015. Collection method: clinical testing. Allele origin: germline. Not counted in ClinVar's aggregate classification.

Rady Children's Institute for Genomic Medicine, Rady Children's Hospital San Diego
Classification: Pathogenic for MYOPATHY, CENTRONUCLEAR, X-LINKED. Last evaluated: 2019-05-19. Review status: criteria provided, single submitter. Criteria: ACMG Guidelines, 2015. Collection method: clinical testing. Allele origin: germline. Affected: yes. Not counted in ClinVar's aggregate classification.
Comment: This variant has been previously reported as a hemizygous change in males and as a heterozygous change in affected female carriers with X-linked myotubular myopathy (PMID: 8640223, 11793470, 28685322, 30047259). It is absent from the ExAC and gnomAD population databases and thus is presumed to be rare. The c.614C>T (p.Pro205Leu) variant is predicted by multiple in silico tools to have a deleterious effect on protein function. Based on the available evidence, the c.614C>T (p.Pro205Leu) variant is classified as Pathogenic.

Genetic Services Laboratory, University of Chicago
Classification: Pathogenic for Myotubular myopathy, X-linked. Last evaluated: 2013-02-08. Review status: criteria provided, single submitter. Criteria: ACMG Guidelines, 2007. Collection method: clinical testing. Allele origin: germline. Inheritance: X-linked inheritance. Affected: yes. Not counted in ClinVar's aggregate classification.

Literature cited by the submitters: PubMed 10900271 (cited by Labcorp Genetics (formerly Invitae), Labcorp); PubMed 8640223 (cited by Labcorp Genetics (formerly Invitae), Labcorp); PubMed 11793470 (cited by Labcorp Genetics (formerly Invitae), Labcorp); PubMed 28685322 (cited by Labcorp Genetics (formerly Invitae), Labcorp).